The following is an entry in ClinVar:

NM_004100.5(EYA4):c.1443G>T (p.Leu481Phe)

Genes: EYA4 (EYA transcriptional coactivator and phosphatase 4; plus strand), TARID (TCF21 antisense RNA inducing promoter demethylation; minus strand). Cytogenetic location: 6q23.2.
Variant type: single nucleotide variant.
Coding change: c.1443G>T on transcript NM_004100.5 (MANE Select); coding-DNA position 1443, G replaced by T.
Protein change: p.Leu481Phe; replaces leucine 481 with phenylalanine.
Molecular consequence: missense variant.
Genome position (GRCh38, 1-based): chr6:133,512,980, G>T. VCF-style: chr6-133512980-G-T. GRCh37 (hg19) VCF-style: chr6-133834118-G-T.
Other names: c.1281G>T, p.Leu427Phe (NM_001301012.2); c.1461G>T, p.Leu487Phe (NM_001301013.2); c.1374G>T, p.Leu458Phe (NM_001370458.1, NM_172103.4); c.1299G>T, p.Leu433Phe (NM_001370459.1); c.1443G>T, p.Leu481Phe (NM_172105.4); short protein forms L458F, L433F, L487F, L481F, L427F.
Identifiers: ClinVar variation 3023058 (VCV003023058.3), dbSNP rs970046822, ClinGen allele CA148073526.

ClinVar aggregate classification (germline): Uncertain significance (1 of 4 stars; one submission).

Conditions:
Dilated cardiomyopathy 1J (CMD1J). Also called: CARDIOMYOPATHY, DILATED, WITH SENSORINEURAL HEARING LOSS, AUTOSOMAL DOMINANT. Identifiers: Orphanet 217622, MedGen C1854368, MONDO:0011541, OMIM 605362.

Allele frequency attached by ClinVar (database versions not stated): TOPMed 0.00001.
gnomAD v4.1: 9 of 1,613,980 alleles (0.00056%); highest among the groups gnomAD compares: Middle Eastern, 0.016%; no homozygotes.

Submission:

Labcorp Genetics (formerly Invitae), Labcorp
Classification: Uncertain significance for Dilated cardiomyopathy 1J. Last evaluated: 2023-04-12. Review status: criteria provided, single submitter. Criteria: Invitae Variant Classification Sherloc (09022015). Collection method: clinical testing. Allele origin: germline.
Comment: In summary, the available evidence is currently insufficient to determine the role of this variant in disease. Therefore, it has been classified as a Variant of Uncertain Significance. Advanced modeling of protein sequence and biophysical properties (such as structural, functional, and spatial information, amino acid conservation, physicochemical variation, residue mobility, and thermodynamic stability) performed at Invitae indicates that this missense variant is expected to disrupt EYA4 protein function. This variant has not been reported in the literature in individuals affected with EYA4-related conditions. This variant is present in population databases (no rsID available, gnomAD 0.003%). This sequence change replaces leucine, which is neutral and non-polar, with phenylalanine, which is neutral and non-polar, at codon 481 of the EYA4 protein (p.Leu481Phe).